The following is an entry in ClinVar:

NM_020765.3(UBR4):c.210C>T (p.Tyr70=)

Gene: UBR4 (ubiquitin protein ligase E3 component n-recognin 4; minus strand). Cytogenetic location: 1p36.13.
Variant type: single nucleotide variant.
Coding change: c.210C>T on transcript NM_020765.3 (MANE Select); coding-DNA position 210, C replaced by T.
Protein change: p.Tyr70=; no amino-acid change (tyrosine 70 retained).
Molecular consequence: synonymous variant.
Genome position (GRCh38, 1-based): chr1:19,201,782, G>A on the plus strand (C>T on the coding strand, the complement: UBR4 is on the minus strand). VCF-style: chr1-19201782-G-A. GRCh37 (hg19) VCF-style: chr1-19528276-G-A.
Other names: c.210C>T (NM_020765.2).
Identifiers: ClinVar variation 2638428 (VCV002638428.25), dbSNP rs143170582, ClinGen allele CA652035.

ClinVar aggregate classification (germline): Benign. Review status: criteria provided, single submitter (1 of 4 stars). 2 submissions from 2 submitters: Benign (1). 1 of the submissions does not count toward it. Last evaluated 2022-05-01.

Conditions:
UBR4-related disorder. Also called: UBR4-related condition.

Allele frequency attached by ClinVar (database versions not stated): 1000 Genomes Project 30x 0.00031; 1000 Genomes Project 0.00040; TOPMed 0.00077; gnomAD exomes 0.00099; gnomAD 0.00104; ExAC 0.00139; ESP Exome Variant Server 0.00154.
gnomAD v4.1: 1,606 of 1,613,978 alleles (0.1%); highest among the groups gnomAD compares: Non-Finnish European, 0.12%; 1 homozygote.

Submissions (2):

CeGaT Center for Human Genetics Tuebingen
Classification: Benign. Last evaluated: 2022-05-01. Review status: criteria provided, single submitter. Criteria: CeGaT Center For Human Genetics Tuebingen Variant Classification Criteria Version 2. Collection method: clinical testing. Allele origin: germline. Affected: yes. Observed: 1 variant allele.
Comment: UBR4: BS1, BS2

PreventionGenetics, part of Exact Sciences
Classification: Likely benign for UBR4-related condition. Last evaluated: 2023-01-17. Review status: no assertion criteria provided. Collection method: clinical testing. Allele origin: germline. Not counted in ClinVar's aggregate classification.
Comment: This variant is classified as likely benign based on ACMG/AMP sequence variant interpretation guidelines (Richards et al. 2015 PMID: 25741868, with internal and published modifications).